The following is an entry in ClinVar:

NM_177924.5(ASAH1):c.605C>G (p.Ser202Ter)

Gene: ASAH1 (N-acylsphingosine amidohydrolase 1; minus strand). Cytogenetic location: 8p22.
Variant type: single nucleotide variant.
Coding change: c.605C>G on transcript NM_177924.5 (MANE Select); coding-DNA position 605, C replaced by G.
Protein change: p.Ser202Ter; replaces serine 202 with a stop codon.
Molecular consequence: nonsense.
Genome position (GRCh38, 1-based): chr8:18,062,322, G>C on the plus strand (C>G on the coding strand, the complement: ASAH1 is on the minus strand). VCF-style: chr8-18062322-G-C. GRCh37 (hg19) VCF-style: chr8-17919831-G-C.
Other names: c.587C>G, p.Ser196Ter (NM_001127505.3); c.410C>G, p.Ser137Ter (NM_001363743.2); c.653C>G, p.Ser218Ter (NM_004315.6); short protein forms S137*, S196*, S218*, S202*.
Identifiers: ClinVar variation 3705570 (VCV003705570.2).
Genomic context (GRCh38, chr8:18,062,322, plus strand): 5'-AACAACAGACTCCTTACTGGTTTGAATCCTGTTAACATGCCCACATAGCCAGCAAAGCTT[G>C]AAGCCTTGAAGACAGTTTTGTTGTTTCTTTGGAAATCCAAATTCACTGTTAAAGGTTTTA-3'

ClinVar aggregate classification (germline): Pathogenic (1 of 4 stars; one submission).

Submission:

Labcorp Genetics (formerly Invitae), Labcorp
Classification: Pathogenic. Last evaluated: 2024-09-03. Review status: criteria provided, single submitter. Criteria: Invitae Variant Classification Sherloc (09022015). Collection method: clinical testing. Allele origin: germline.
Comment: This sequence change creates a premature translational stop signal (p.Ser202*) in the ASAH1 gene. It is expected to result in an absent or disrupted protein product. Loss-of-function variants in ASAH1 are known to be pathogenic (PMID: 24164096, 24355074). This variant is not present in population databases (gnomAD no frequency). This variant has not been reported in the literature in individuals affected with ASAH1-related conditions. Algorithms developed to predict the effect of sequence changes on RNA splicing suggest that this variant may disrupt the consensus splice site. For these reasons, this variant has been classified as Pathogenic.

Literature cited by the submitters: PubMed 24164096; PubMed 24355074.